The following is an entry in ClinVar:

NM_004415.4(DSP):c.3763A>G (p.Arg1255Gly)

Gene: DSP (desmoplakin; plus strand). Cytogenetic location: 6p24.3.
Variant type: single nucleotide variant.
Coding change: c.3763A>G on transcript NM_004415.4 (MANE Select); coding-DNA position 3763, A replaced by G.
Protein change: p.Arg1255Gly; replaces arginine 1255 with glycine.
Molecular consequence: missense variant. On other transcripts: intron variant (1).
Genome position (GRCh38, 1-based): chr6:7,579,953, A>G. VCF-style: chr6-7579953-A-G. GRCh37 (hg19) VCF-style: chr6-7580186-A-G.
Other names: c.3763A>G (LRG_423t1); c.3763A>G, p.Arg1255Gly (NM_001319034.2); c.3582+181A>G (NM_001008844.3); short protein forms R1255G.
Identifiers: ClinVar variation 452071 (VCV000452071.12), dbSNP rs1477870659, ClinGen allele CA362684802.

ClinVar aggregate classification (germline): Uncertain significance. Review status: criteria provided, multiple submitters, no conflicts (2 of 4 stars). 5 submissions from 5 submitters: Uncertain significance (5). Last evaluated 2024-09-30.

Conditions:
Cardiovascular phenotype. Identifiers: MedGen CN230736.
Arrhythmogenic cardiomyopathy with wooly hair and keratoderma. Also called: Dilated cardiomyopathy with woolly hair and keratoderma; PALMOPLANTAR KERATODERMA WITH LEFT VENTRICULAR CARDIOMYOPATHY AND WOOLLY HAIR; Arrhythmogenic cardiomyopathy with woolly hair and keratoderma; Carvajal syndrome. Identifiers: Orphanet 65282, MedGen C1854063, MONDO:0011581, OMIM 605676.
Arrhythmogenic right ventricular dysplasia 8 (ARVD8). Also called: ARRHYTHMOGENIC RIGHT VENTRICULAR CARDIOMYOPATHY 8; Arrhythmogenic Right Ventricular Dysplasia/Cardiomyopathy 8; ARRHYTHMOGENIC RIGHT VENTRICULAR DYSPLASIA, FAMILIAL, 8. Identifiers: MedGen C1843896, MONDO:0011831, OMIM 607450.
Cardiomyopathy (CMYO). Also called: Cardiomyopathies. Identifiers: Orphanet 167848, MedGen C0878544, MONDO:0004994, HP:0001638. Inheritance: Various modes of inheritance.

Allele frequency attached by ClinVar (database versions not stated): gnomAD exomes below 0.00001 and 0.00001; TOPMed 0.00001.
gnomAD v4.1: 11 of 1,614,236 alleles (0.00068%); highest among the groups gnomAD compares: Non-Finnish European, 0.00085%; no homozygotes.

Submissions (5):

Ambry Genetics
Classification: Uncertain significance for Cardiovascular phenotype. Last evaluated: 2024-09-30. Review status: criteria provided, single submitter. Criteria: Ambry Variant Classification Scheme 2023. Collection method: clinical testing. Allele origin: germline.
Comment: The p.R1255G variant (also known as c.3763A>G), located in coding exon 23 of the DSP gene, results from an A to G substitution at nucleotide position 3763. The arginine at codon 1255 is replaced by glycine, an amino acid with dissimilar properties. This amino acid position is conserved. In addition, this alteration is predicted to be deleterious by in silico analysis. Based on the available evidence, the clinical significance of this variant remains unclear.

All of Us Research Program, National Institutes of Health
Classification: Uncertain significance for Arrhythmogenic cardiomyopathy with wooly hair and keratoderma. Last evaluated: 2024-08-06. Review status: criteria provided, single submitter. Criteria: ACMG Guidelines, 2015. Collection method: clinical testing. Allele origin: germline. Inheritance: Autosomal dominant inheritance. Observed: 1 variant allele, 1 heterozygote.
Comment: This study involves interpretation of variants in research participants for the purpose of population health screening. Participant phenotype was not available at the time of variant classification. Additional details can be found in publication PMID: 35346344, PMCID: PMC8962531

Color Diagnostics, LLC DBA Color Health
Classification: Uncertain significance for Cardiomyopathy. Last evaluated: 2024-03-06. Review status: criteria provided, single submitter. Criteria: ACMG Guidelines, 2015. Collection method: clinical testing. Allele origin: germline.
Comment: This missense variant replaces arginine with glycine at codon 1255 of the DSP protein. Computational prediction is inconclusive regarding the impact of this variant on protein structure and function (internally defined REVEL score threshold 0.5 < inconclusive < 0.7, PMID: 27666373). To our knowledge, functional studies have not been reported for this variant. This variant has not been reported in individuals affected with cardiovascular disorders in the literature. This variant has been identified in 1/250726 chromosomes in the general population by the Genome Aggregation Database (gnomAD). The available evidence is insufficient to determine the role of this variant in disease conclusively. Therefore, this variant is classified as a Variant of Uncertain Significance.

Labcorp Genetics (formerly Invitae), Labcorp
Classification: Uncertain significance for Arrhythmogenic cardiomyopathy with wooly hair and keratoderma; Arrhythmogenic right ventricular dysplasia 8. Last evaluated: 2023-07-03. Review status: criteria provided, single submitter. Criteria: Invitae Variant Classification Sherloc (09022015). Collection method: clinical testing. Allele origin: germline.
Comment: In summary, the available evidence is currently insufficient to determine the role of this variant in disease. Therefore, it has been classified as a Variant of Uncertain Significance. An algorithm developed to predict the effect of missense changes on protein structure and function (PolyPhen-2) suggests that this variant is likely to be disruptive. ClinVar contains an entry for this variant (Variation ID: 452071). This variant has not been reported in the literature in individuals affected with DSP-related conditions. This variant is not present in population databases (gnomAD no frequency). This sequence change replaces arginine, which is basic and polar, with glycine, which is neutral and non-polar, at codon 1255 of the DSP protein (p.Arg1255Gly).

GeneDx
Classification: Uncertain significance. Last evaluated: 2020-06-05. Review status: criteria provided, single submitter. Criteria: GeneDx Variant Classification Process June 2021. Collection method: clinical testing. Allele origin: germline. Affected: yes.
Comment: Has not been previously published as pathogenic or benign to our knowledge; Not observed at a significant frequency in large population cohorts (Lek et al., 2016); In silico analysis supports that this missense variant has a deleterious effect on protein structure/function